The following is an entry in ClinVar:

ClinVar aggregate classification (germline): Likely benign. Review status: criteria provided, multiple submitters, no conflicts (2 of 4 stars). 3 submissions from 3 submitters: Likely benign (2). 1 of the submissions does not count toward it. Last evaluated 2025-12-28.

Conditions:
SPEG-related disorder. Also called: SPEG-related condition.

Allele frequency attached by ClinVar (database versions not stated): gnomAD 0.00001; gnomAD exomes 0.00002 and 0.00005; ExAC 0.00003; TOPMed 0.00005.
gnomAD v4.1: 89 of 1,609,142 alleles (0.0055%); highest among the groups gnomAD compares: Non-Finnish European, 0.0063%; no homozygotes.

Submissions (3):

Labcorp Genetics (formerly Invitae), Labcorp
Classification: Likely benign. Last evaluated: 2025-12-28. Review status: criteria provided, single submitter. Criteria: Invitae Variant Classification Sherloc (09022015). Collection method: clinical testing. Allele origin: germline.

Blueprint Genetics
Classification: Likely benign. Last evaluated: 2023-04-14. Review status: criteria provided, single submitter. Criteria: ACMG Guidelines, 2015. Collection method: clinical testing. Allele origin: germline.

PreventionGenetics, part of Exact Sciences
Classification: Likely benign for SPEG-related condition. Last evaluated: 2020-06-29. Review status: no assertion criteria provided. Collection method: clinical testing. Allele origin: germline. Not counted in ClinVar's aggregate classification.
Comment: This variant is classified as likely benign based on ACMG/AMP sequence variant interpretation guidelines (Richards et al. 2015 PMID: 25741868, with internal and published modifications).

NM_005876.5(SPEG):c.9621C>T (p.Pro3207=)

Genes: ASIC4-AS1 (ASIC4 antisense RNA 1; minus strand), SPEG (striated muscle enriched protein kinase; plus strand). Cytogenetic location: 2q35.
Variant type: single nucleotide variant.
Coding change: c.9621C>T on transcript NM_005876.5 (MANE Select); coding-DNA position 9621, C replaced by T.
Protein change: p.Pro3207=; no amino-acid change (proline 3207 retained).
Molecular consequence: synonymous variant.
Genome position (GRCh38, 1-based): chr2:219,492,603, C>T. VCF-style: chr2-219492603-C-T. GRCh37 (hg19) VCF-style: chr2-220357325-C-T.
Other names: c.9621C>T (NM_005876.4).
Identifiers: ClinVar variation 1643206 (VCV001643206.11), dbSNP rs766770633, ClinGen allele CA2127833.
Genomic context (GRCh38, chr2:219,492,603, plus strand): 5'-CAGCTCCCAGAGCTTCCTTCCAGGTTCATCATCCCTGGCTCTGCCTGGCAGGAGCCGGCC[C>T]TCCCTGCAGGACTGCCTGGCCCACCCATGGTTGCAGGACGCCTACCTGATGAAGCTGCGC-3'
Protein context (NP_005867.3, residues 3197-3217): KVLSVHPWSR[Pro3207=]SLQDCLAHPW